The following is an entry in ClinVar:

NM_003611.3(OFD1):c.794dup (p.Ser266fs)

Gene: OFD1 (OFD1 centriole and centriolar satellite protein; plus strand). Cytogenetic location: Xp22.2.
Variant type: Duplication.
Coding change: c.794dup on transcript NM_003611.3 (MANE Select); coding-DNA position 794, one base duplicated (A; older notation c.794dupA).
Protein change: p.Ser266fs; shifts the reading frame from serine 266.
Molecular consequence: frameshift variant.
Genome position (GRCh38, 1-based): chrX:13,746,919, A duplicated; the last of 4 consecutive A bases (chrX:13,746,916-13,746,919); duplicating any one gives the same sequence. VCF-style (leftmost placement, unchanged base first): chrX-13746915-G-GA. GRCh37 (hg19) VCF-style: chrX-13765034-G-GA.
Other names: c.794dup, p.Ser266fs (NM_001330209.2); c.374dup, p.Ser126fs (NM_001330210.2); short protein forms S126fs, S266fs.
Identifiers: ClinVar variation 965310 (VCV000965310.8), dbSNP rs2047318775, ClinGen allele CA1139667227.

ClinVar aggregate classification (germline): Pathogenic (1 of 4 stars; one submission).

Conditions:
Orofaciodigital syndrome I (OFD1). Also called: Papillon-Leage and Psaume Syndrome; Oral-Facial-Digital Syndrome Type I; OFDS I. Identifiers: Orphanet 2750, MedGen C1510460, MONDO:0010702, OMIM 311200.
Joubert syndrome. Also called: Familial aplasia of the vermis; CEREBELLOPARENCHYMAL DISORDER IV; JOUBERT-BOLTSHAUSER SYNDROME. Identifiers: Orphanet 475, MedGen C5979921, MONDO:0018772.

Submission:

Labcorp Genetics (formerly Invitae), Labcorp
Classification: Pathogenic for Orofaciodigital syndrome I; Joubert syndrome. Last evaluated: 2019-11-11. Review status: criteria provided, single submitter. Criteria: Invitae Variant Classification Sherloc (09022015). Collection method: clinical testing. Allele origin: germline.
Comment: This variant has not been reported in the literature in individuals with OFD1-related conditions. Loss-of-function variants in OFD1 are known to be pathogenic (PMID: 16783569, 18546297, 27081566). For these reasons, this variant has been classified as Pathogenic. This variant is not present in population databases (ExAC no frequency). This sequence change creates a premature translational stop signal (p.Ser266Glufs*4) in the OFD1 gene. It is expected to result in an absent or disrupted protein product.

Literature cited by the submitters: PubMed 16783569; PubMed 18546297; PubMed 27081566.